The following is an entry in ClinVar:

ClinVar aggregate classification (germline): Uncertain significance (1 of 4 stars; one submission).

Conditions:
Hereditary sensory neuropathy-deafness-dementia syndrome. Also called: Hereditary Sensory and Autonomic Neuropathy Type 1E (HSAN1E); Hereditary sensory neuropathy type IE; NEUROPATHY, HEREDITARY SENSORY, WITH HEARING LOSS AND DEMENTIA; HSN IE. Identifiers: Orphanet 456318, MedGen C3279885, MONDO:0013584, OMIM 614116.

Submission:

Labcorp Genetics (formerly Invitae), Labcorp
Classification: Uncertain significance for Hereditary sensory neuropathy-deafness-dementia syndrome. Last evaluated: 2024-10-01. Review status: criteria provided, single submitter. Criteria: Invitae Variant Classification Sherloc (09022015). Collection method: clinical testing. Allele origin: germline.
Comment: This sequence change replaces alanine, which is neutral and non-polar, with glutamic acid, which is acidic and polar, at codon 390 of the DNMT1 protein (p.Ala390Glu). This variant is not present in population databases (gnomAD no frequency). This variant has not been reported in the literature in individuals affected with DNMT1-related conditions. An algorithm developed to predict the effect of missense changes on protein structure and function (PolyPhen-2) suggests that this variant is likely to be disruptive. In summary, the available evidence is currently insufficient to determine the role of this variant in disease. Therefore, it has been classified as a Variant of Uncertain Significance.

NM_001130823.3(DNMT1):c.1169C>A (p.Ala390Glu)

Gene: DNMT1 (DNA methyltransferase 1; minus strand). Cytogenetic location: 19p13.2.
Variant type: single nucleotide variant.
Coding change: c.1169C>A on transcript NM_001130823.3 (MANE Select); coding-DNA position 1169, C replaced by A.
Protein change: p.Ala390Glu; replaces alanine 390 with glutamic acid.
Molecular consequence: missense variant.
Genome position (GRCh38, 1-based): chr19:10,159,843, G>T on the plus strand (C>A on the coding strand, the complement: DNMT1 is on the minus strand). VCF-style: chr19-10159843-G-T. GRCh37 (hg19) VCF-style: chr19-10270519-G-T.
Other names: c.1121C>A, p.Ala374Glu (NM_001318730.2, NM_001379.4); c.806C>A, p.Ala269Glu (NM_001318731.2); short protein forms A374E, A390E, A269E.
Identifiers: ClinVar variation 3721978 (VCV003721978.2).